The following is an entry in ClinVar:

ClinVar aggregate classification (germline): Uncertain significance (1 of 4 stars; one submission).

Conditions:
Developmental and epileptic encephalopathy 94 (DEE94). Also called: Epileptic encephalopathy, childhood-onset; CHD2-Related Neurodevelopmental Disorders. Identifiers: Orphanet 1942, Orphanet 2382, MedGen C3809278, MONDO:0014150, OMIM 615369.

Allele frequency attached by ClinVar (database versions not stated): ExAC 0.00001; gnomAD exomes 0.00001; TOPMed 0.00002.
gnomAD v4.1: 10 of 1,613,170 alleles (0.00062%); highest among the groups gnomAD compares: Non-Finnish European, 0.00076%; no homozygotes.

Submission:

Labcorp Genetics (formerly Invitae), Labcorp
Classification: Uncertain significance for Developmental and epileptic encephalopathy 94. Last evaluated: 2023-11-13. Review status: criteria provided, single submitter. Criteria: Invitae Variant Classification Sherloc (09022015). Collection method: clinical testing. Allele origin: germline.
Comment: This sequence change replaces valine, which is neutral and non-polar, with alanine, which is neutral and non-polar, at codon 253 of the CHD2 protein (p.Val253Ala). This variant is present in population databases (rs773621487, gnomAD 0.002%). This variant has not been reported in the literature in individuals affected with CHD2-related conditions. ClinVar contains an entry for this variant (Variation ID: 566865). Advanced modeling of protein sequence and biophysical properties (such as structural, functional, and spatial information, amino acid conservation, physicochemical variation, residue mobility, and thermodynamic stability) performed at Invitae indicates that this missense variant is not expected to disrupt CHD2 protein function with a negative predictive value of 95%. In summary, the available evidence is currently insufficient to determine the role of this variant in disease. Therefore, it has been classified as a Variant of Uncertain Significance.

NM_001271.4(CHD2):c.758T>C (p.Val253Ala)

Gene: CHD2 (chromodomain helicase DNA binding protein 2; plus strand). Cytogenetic location: 15q26.1.
Variant type: single nucleotide variant.
Coding change: c.758T>C on transcript NM_001271.4 (MANE Select); coding-DNA position 758, T replaced by C.
Protein change: p.Val253Ala; replaces valine 253 with alanine.
Molecular consequence: missense variant.
Genome position (GRCh38, 1-based): chr15:92,941,887, T>C. VCF-style: chr15-92941887-T-C. GRCh37 (hg19) VCF-style: chr15-93485117-T-C.
Other names: c.758T>C, p.Val253Ala (NM_001042572.3); short protein forms V253A.
Identifiers: ClinVar variation 566865 (VCV000566865.9), dbSNP rs773621487, ClinGen allele CA7747619.